The following is an entry in ClinVar:

ClinVar aggregate classification (germline): Uncertain significance (1 of 4 stars; one submission).

Conditions:
Tay-Sachs disease, variant AB. Also called: Gm2-gangliosidosis, ab variant; GM2 Activator Deficiency. Identifiers: Orphanet 309246, MedGen C0268275, MONDO:0010099, OMIM 272750.

Allele frequency attached by ClinVar (database versions not stated): gnomAD 0.00003; TOPMed 0.00003; ExAC 0.00021.

Submission:

Labcorp Genetics (formerly Invitae), Labcorp
Classification: Uncertain significance for Tay-Sachs disease, variant AB. Last evaluated: 2022-08-23. Review status: criteria provided, single submitter. Criteria: Invitae Variant Classification Sherloc (09022015). Collection method: clinical testing. Allele origin: germline.
Comment: This sequence change replaces arginine, which is basic and polar, with cysteine, which is neutral and slightly polar, at codon 130 of the GM2A protein (p.Arg130Cys). This variant is present in population databases (rs761084552, gnomAD 0.2%). This variant has not been reported in the literature in individuals affected with GM2A-related conditions. ClinVar contains an entry for this variant (Variation ID: 1367470). Algorithms developed to predict the effect of missense changes on protein structure and function are either unavailable or do not agree on the potential impact of this missense change (SIFT: "Deleterious"; PolyPhen-2: "Possibly Damaging"; Align-GVGD: "Class C0"). In summary, the available evidence is currently insufficient to determine the role of this variant in disease. Therefore, it has been classified as a Variant of Uncertain Significance.

NM_000405.5(GM2A):c.388C>T (p.Arg130Cys)

Gene: GM2A (ganglioside GM2 activator; plus strand). Cytogenetic location: 5q33.1.
Variant type: single nucleotide variant.
Coding change: c.388C>T on transcript NM_000405.5 (MANE Select); coding-DNA position 388, C replaced by T.
Protein change: p.Arg130Cys; replaces arginine 130 with cysteine.
Molecular consequence: missense variant.
Genome position (GRCh38, 1-based): chr5:151,266,875, C>T. VCF-style: chr5-151266875-C-T. GRCh37 (hg19) VCF-style: chr5-150646436-C-T.
Other names: c.388C>T, p.Arg130Cys (NM_001167607.3); short protein forms R130C.
Identifiers: ClinVar variation 1367470 (VCV001367470.5), dbSNP rs761084552, ClinGen allele CA3517937.